The following is an entry in ClinVar:

NM_007294.4(BRCA1):c.2498T>A (p.Leu833Ter)

Gene: BRCA1 (BRCA1 DNA repair associated; minus strand). Cytogenetic location: 17q21.31.
Variant type: single nucleotide variant.
Coding change: c.2498T>A on transcript NM_007294.4 (MANE Select); coding-DNA position 2498, T replaced by A.
Protein change: p.Leu833Ter; replaces leucine 833 with a stop codon.
Molecular consequence: nonsense. On other transcripts: intron variant (137).
Genome position (GRCh38, 1-based): chr17:43,093,033, A>T on the plus strand (T>A on the coding strand, the complement: BRCA1 is on the minus strand). VCF-style: chr17-43093033-A-T. GRCh37 (hg19) VCF-style: chr17-41245050-A-T.
Other names: c.2165T>A, p.Leu722Ter (NM_001407946.1, NM_001407947.1, NM_001407948.1 and 6 more transcripts); c.2162T>A, p.Leu721Ter (NM_001407954.1, NM_001407955.1, NM_001407956.1 and 1 more transcripts); c.1610T>A, p.Leu537Ter (NM_001407966.1, NM_001407967.1); c.2357T>A, p.Leu786Ter (NM_007297.4, NM_001407725.1, NM_001407726.1 and 29 more transcripts); c.2498T>A, p.Leu833Ter (NM_007300.4, NM_001407620.1, NM_001407621.1 and 30 more transcripts); c.646+1711T>A (NM_001408458.1, NM_001408469.1, NM_001408453.1 and 11 more transcripts); c.283+1711T>A (NM_001408512.1); c.406+1711T>A (NM_001408510.1); and 41 more; short protein forms L833*, L786*, L705*, L763*, L791*, L830*, L832*, L706*.
Identifiers: ClinVar variation 838543 (VCV000838543.16), dbSNP rs2053749811, ClinGen allele CA10597003.
Genomic context (GRCh38, chr17:43,093,033, plus strand): 5'-TCAAGTTCACTTTCTTCCATTTCTATGCTTGTTTCCCGACTGTGGTTAACTTCATGTCCC[A>T]ATGGATACTTAAAGCCTTCTGTGTCATTTCTATTATCTTTGGAACAACCATGAATTAGTC-3'

ClinVar aggregate classification (germline): Pathogenic. Review status: criteria provided, multiple submitters, no conflicts (2 of 4 stars). 4 submissions from 4 submitters: Pathogenic (4). Last evaluated 2026-01-09.

Conditions:
Hereditary breast ovarian cancer syndrome. Also called: Hereditary breast and/or ovarian cancer syndrome; Hereditary breast and ovarian cancer syndrome; Breast and ovarian cancer; BRCA1- and BRCA2-Associated Hereditary Breast and Ovarian Cancer; Hereditary breast and ovarian cancer; Hereditary breast and ovarian cancer syndrome (HBOC). Identifiers: Orphanet 145, MedGen C0677776, MeSH D061325, MONDO:0003582. Disease mechanism: loss of function.
Hereditary cancer-predisposing syndrome. Also called: Hereditary Cancer Syndrome; Tumor predisposition; Neoplastic Syndromes, Hereditary; Hereditary neoplastic syndrome. Identifiers: Orphanet 140162, MedGen C0027672, MeSH D009386, MONDO:0015356.

Submissions (4):

Ambry Genetics
Classification: Pathogenic for Hereditary cancer-predisposing syndrome. Last evaluated: 2026-01-09. Review status: criteria provided, single submitter. Criteria: Ambry Variant Classification Scheme 2023. Collection method: clinical testing. Allele origin: germline.
Comment: The p.L833* variant (also known as c.2498T>A), located in coding exon 9 of the BRCA1 gene, results from a T to A substitution at nucleotide position 2498. This changes the amino acid from a leucine to a stop codon within coding exon 9. This variant is considered to be rare based on population cohorts in the Genome Aggregation Database (gnomAD). This alteration is expected to result in loss of function by premature protein truncation or nonsense-mediated mRNA decay. As such, this alteration is interpreted as a disease-causing mutation.

Labcorp Genetics (formerly Invitae), Labcorp
Classification: Pathogenic for Hereditary breast ovarian cancer syndrome. Last evaluated: 2023-11-10. Review status: criteria provided, single submitter. Criteria: Invitae Variant Classification Sherloc (09022015). Collection method: clinical testing. Allele origin: germline.
Comment: This sequence change creates a premature translational stop signal (p.Leu833*) in the BRCA1 gene. It is expected to result in an absent or disrupted protein product. Loss-of-function variants in BRCA1 are known to be pathogenic (PMID: 20104584). This variant is not present in population databases (gnomAD no frequency). This premature translational stop signal has been observed in individual(s) with breast and ovarian cancer (PMID: 11748848). ClinVar contains an entry for this variant (Variation ID: 838543). For these reasons, this variant has been classified as Pathogenic.

GeneDx
Classification: Pathogenic. Last evaluated: 2023-10-09. Review status: criteria provided, single submitter. Criteria: GeneDx Variant Classification Process June 2021. Collection method: clinical testing. Allele origin: germline. Affected: yes.
Comment: Nonsense variant predicted to result in protein truncation or nonsense mediated decay in a gene for which loss of function is a known mechanism of disease; Truncating variants in this gene are considered pathogenic by a well-established clinical consortium and/or database; Not observed at significant frequency in large population cohorts (gnomAD); Observed in individual(s) with breast cancer (Chvarri-Guerra et al., 2021); Also known as 2617T>A; This variant is associated with the following publications: (PMID: 11748848, 34413315, 33277227)

Color Diagnostics, LLC DBA Color Health
Classification: Pathogenic for Hereditary cancer-predisposing syndrome. Last evaluated: 2020-09-17. Review status: criteria provided, single submitter. Criteria: ACMG Guidelines, 2015. Collection method: clinical testing. Allele origin: germline.
Comment: This variant changes 1 nucleotide in exon 10 of the BRCA1 gene, creating a premature translation stop signal. This variant is expected to result in an absent or non-functional protein product. To our knowledge, this variant has not been reported in individuals affected with hereditary cancer in the literature. This variant has not been identified in the general population by the Genome Aggregation Database (gnomAD). Loss of BRCA1 function is a known mechanism of disease. Based on the available evidence, this variant is classified as Pathogenic.

Literature cited by the submitters: PubMed 20104584 (cited by Labcorp Genetics (formerly Invitae), Labcorp); PubMed 11748848 (cited by Labcorp Genetics (formerly Invitae), Labcorp).